The following is an entry in ClinVar:

NM_032271.3(TRAF7):c.1617G>A (p.Gln539=)

Gene: TRAF7 (TNF receptor associated factor 7; plus strand). Cytogenetic location: 16p13.3.
Variant type: single nucleotide variant.
Coding change: c.1617G>A on transcript NM_032271.3 (MANE Select); coding-DNA position 1617, G replaced by A.
Protein change: p.Gln539=; no amino-acid change (glutamine 539 retained).
Molecular consequence: synonymous variant.
Genome position (GRCh38, 1-based): chr16:2,175,613, G>A. VCF-style: chr16-2175613-G-A. GRCh37 (hg19) VCF-style: chr16-2225614-G-A.
Other names: c.1617G>A (NM_032271.2).
Identifiers: ClinVar variation 2646050 (VCV002646050.25), dbSNP rs145525624, ClinGen allele CA7835047.

ClinVar aggregate classification (germline): Benign/Likely benign. Review status: criteria provided, multiple submitters, no conflicts (2 of 4 stars). 2 submissions from 2 submitters: Benign (1); Likely benign (1). Last evaluated 2026-03-01.

Conditions:
TRAF7-related disorder. Also called: TRAF7-related condition.

Allele frequency attached by ClinVar (database versions not stated): 1000 Genomes Project 30x 0.00031; 1000 Genomes Project 0.00040; ESP Exome Variant Server 0.00069; TOPMed 0.00077; gnomAD exomes 0.00095; gnomAD 0.00107; ExAC 0.00123.
gnomAD v4.1: 1,544 of 1,612,008 alleles (0.096%); highest among the groups gnomAD compares: Non-Finnish European, 0.095%; 5 homozygotes.

Submissions (2):

CeGaT Center for Human Genetics Tuebingen
Classification: Benign. Last evaluated: 2026-03-01. Review status: criteria provided, single submitter. Criteria: CeGaT Center For Human Genetics Tuebingen Variant Classification Criteria Version 2. Collection method: clinical testing. Allele origin: germline. Affected: yes. Observed: 11 variant alleles.
Comment: TRAF7: BP4, BS1, BS2

PreventionGenetics, part of Exact Sciences
Classification: Likely benign for TRAF7-related condition. Last evaluated: 2025-04-19. Review status: criteria provided, single submitter. Criteria: ACMG Guidelines, 2015. Collection method: clinical testing. Allele origin: germline.
Comment: This variant is classified as likely benign based on ACMG/AMP sequence variant interpretation guidelines (Richards et al. 2015 PMID: 25741868, with internal and published modifications).